The following is an entry in ClinVar:

ClinVar aggregate classification (germline): Uncertain significance. Review status: criteria provided, multiple submitters, no conflicts (2 of 4 stars). 4 submissions from 4 submitters: Uncertain significance (4). Last evaluated 2026-06-30.

Conditions:
Inborn genetic diseases. Identifiers: MedGen C0950123, MeSH D030342.
Developmental and epileptic encephalopathy, 18 (DEE18). Also called: Early infantile epileptic encephalopathy 18. Identifiers: Orphanet 369894, MedGen C3809624, MONDO:0014201, OMIM 615476.

gnomAD v4.1: 12 of 1,613,982 alleles (0.00074%); highest among the groups gnomAD compares: Admixed American, 0.01%; no homozygotes.

Submissions (4):

GeneDx
Classification: Uncertain significance. Last evaluated: 2026-06-30. Review status: criteria provided, single submitter. Criteria: GeneDx Variant Classification Process June 2021. Collection method: clinical testing. Allele origin: germline.
Comment: Not observed at significant frequency in large population cohorts (gnomAD); In silico analysis suggests that this missense variant does not alter protein structure/function; Has not been previously published as pathogenic or benign to our knowledge

Labcorp Genetics (formerly Invitae), Labcorp
Classification: Uncertain significance. Last evaluated: 2026-01-13. Review status: criteria provided, single submitter. Criteria: Invitae Variant Classification Sherloc (09022015). Collection method: clinical testing. Allele origin: germline.
Comment: This sequence change replaces alanine, which is neutral and non-polar, with glycine, which is neutral and non-polar, at codon 1832 of the SZT2 protein (p.Ala1832Gly). This variant is present in population databases (rs772792017, gnomAD 0.009%). This variant has not been reported in the literature in individuals affected with SZT2-related conditions. ClinVar contains an entry for this variant (Variation ID: 1513104). Invitae Evidence Modeling of protein sequence and biophysical properties (such as structural, functional, and spatial information, amino acid conservation, physicochemical variation, residue mobility, and thermodynamic stability) indicates that this missense variant is not expected to disrupt SZT2 protein function with a negative predictive value of 80%. In summary, the available evidence is currently insufficient to determine the role of this variant in disease. Therefore, it has been classified as a Variant of Uncertain Significance.

Ambry Genetics
Classification: Uncertain significance for Inborn genetic diseases. Last evaluated: 2025-04-20. Review status: criteria provided, single submitter. Criteria: Ambry Variant Classification Scheme 2023. Collection method: clinical testing. Allele origin: germline.

Genome-Nilou Lab
Classification: Uncertain significance for Developmental and epileptic encephalopathy, 18. Last evaluated: 2023-04-11. Review status: criteria provided, single submitter. Criteria: ACMG Guidelines, 2015. Collection method: clinical testing. Allele origin: germline. Affected: no.

NM_001365999.1(SZT2):c.5666C>G (p.Ala1889Gly)

Gene: SZT2 (SZT2 subunit of KICSTOR complex; plus strand). Cytogenetic location: 1p34.2.
Variant type: single nucleotide variant.
Coding change: c.5666C>G on transcript NM_001365999.1 (MANE Select); coding-DNA position 5666, C replaced by G.
Protein change: p.Ala1889Gly; replaces alanine 1889 with glycine.
Molecular consequence: missense variant.
Genome position (GRCh38, 1-based): chr1:43,433,052, C>G. VCF-style: chr1-43433052-C-G. GRCh37 (hg19) VCF-style: chr1-43898723-C-G.
Other names: c.5495C>G, p.Ala1832Gly (NM_015284.4); short protein forms A1889G, A1832G.
Identifiers: ClinVar variation 1513104 (VCV001513104.12), dbSNP rs772792017, ClinGen allele CA809656.